The following continues an entry in ClinVar:

NM_000059.4(BRCA2):c.9302T>G (p.Leu3101Arg)

Gene: BRCA2. ClinVar aggregate classification (germline): Pathogenic/Likely pathogenic. Pathogenic (6); Likely pathogenic (11).

Submissions 10 to 20 of 20:

Genomics and Molecular Medicine Service, East Genomic Laboratory Hub, NHS Genomic Medicine Service
Classification: Likely pathogenic for NICE approved PARP inhibitor treatment. Last evaluated: 2024-04-24. Review status: criteria provided, single submitter. Criteria: ACGS Best Practice Guidelines for Variant Classification in Rare Disease 2020. Collection method: clinical testing. Allele origin: germline. Affected: yes.
Comment: PS3,PM3

Ambry Genetics
Classification: Pathogenic for Hereditary cancer-predisposing syndrome. Last evaluated: 2023-01-31. Review status: criteria provided, single submitter. Criteria: Ambry Variant Classification Scheme 2023. Collection method: clinical testing. Allele origin: germline.
Comment: The p.L3101R pathogenic mutation (also known as c.9302T>G), located in coding exon 24 of the BRCA2 gene, results from a T to G substitution at nucleotide position 9302. The leucine at codon 3101 is replaced by arginine, an amino acid with dissimilar properties. This alteration has been detected in a fetus who is compound heterozygous for this alteration and a BRCA2 frameshift mutation whose clinical features are highly suggestive of Fanconi Anemia (personal communication). In addition, this alteration was defective in a homology-directed repair assay (Ambry internal data). This variant was observed to segregate with breast cancer in multiple families (Ambry internal data). Based on internal structural assessment this alteration is expected to result in significant destabilization of OBD3, in which other destabilizing pathogenic alterations are present (Yang H et al. Science, 2002 Sep;297:1837-48). This amino acid position is well conserved in available vertebrate species. In addition, this alteration is predicted to be deleterious by in silico analysis. This variant is considered to be rare based on population cohorts in the Genome Aggregation Database (gnomAD). Based on the majority of available evidence to date, this alteration is interpreted as a disease-causing mutation. However, because this variant is identified in one or more patients with Fanconi Anemia it may be hypomorphic and thus, carriers of this variant and their families may present with reduced risks, and not with the typical clinical characteristics of a high-risk pathogenic BRCA2 alteration. As risk estimates are unknown at this time, clinical correlation is advised.

Quest Diagnostics Nichols Institute San Juan Capistrano
Classification: Pathogenic. Last evaluated: 2022-06-29. Review status: criteria provided, single submitter. Criteria: Quest Diagnostics criteria. Collection method: clinical testing. Allele origin: unknown.
Comment: This variant has not been reported in large, multi-ethnic general populations. In the published literature, the variant has been reported in an individual with personal and family history of breast cancer, as well as in two fetuses (siblings) who were determined to carry an additional BRCA pathogenic variant in trans and diagnosed with Fanconi anemia (personal communication, see Kobelka, C et al.). In addition, an experimental study has shown this variant is damaging to BRCA2 HDR activity (PMID: 33609447 (2021)). Analysis of this variant using bioinformatics tools for the prediction of the effect of amino acid changes on protein structure and function yielded predictions that this variant is damaging. Based on the available information, this variant is classified as pathogenic.

Baylor Genetics
Classification: Likely pathogenic for Familial cancer of breast. Last evaluated: 2021-09-20. Review status: criteria provided, single submitter. Criteria: ACMG Guidelines, 2015. Collection method: clinical testing. Allele origin: unknown.

CHEO Genetics Diagnostic Laboratory, Children's Hospital of Eastern Ontario
Classification: Likely pathogenic for Breast and/or ovarian cancer. Last evaluated: 2021-05-26. Review status: criteria provided, single submitter. Criteria: ACMG Guidelines, 2015. Collection method: clinical testing. Allele origin: germline.

ARUP Laboratories, Molecular Genetics and Genomics, ARUP Laboratories
Classification: Likely pathogenic. Last evaluated: 2020-03-06. Review status: criteria provided, single submitter. Criteria: ARUP Molecular Germline Variant Investigation Process. Collection method: clinical testing. Allele origin: germline.
Comment: The BRCA2 c.9302T>G; p.Leu3101Arg variant (rs28897758) is reported in the literature in an infant with fanconi anemia who carried a BRCA2 pathogenic variant presumably on the opposite allele (Dueber 2013). This variant is also reported in the ClinVar database (Variation ID: 38230). It is absent from general population databases (Exome Variant Server, Genome Aggregation Database), indicating it is not a common polymorphism. The leucine at codon 3101 is moderately conserved, and computational analyses (SIFT, PolyPhen-2) predict that this variant is deleterious. Based on available information, this variant is considered to be likely pathogenic. REFERENCES Dueber J.C., Mosse C., Alford C.E. et al. Precursor T acute lymphoblastic leukemia from myelodysplastic syndrome in Fanconi anemia. J Hematopathol 6, 161â€“165 (2013). DOI 10.1007/s12308-012-0168-2

Cancer Variant Interpretation Group UK, Institute of Cancer Research, London
Classification: Pathogenic for Hereditary Breast and Ovarian Cancer. Last evaluated: 2018-07-13. Review status: criteria provided, single submitter. Criteria: ACMG Guidelines, 2015. Collection method: clinical testing. Allele origin: germline. Affected: yes. Observed: 15 variant alleles.
Comment: Data used in classification: The variant was observed in 10 independent UK families undergoing clinical diagnostic testing, the denominator of which dataset of clinical testing was 16,600. The diagnosis of hereditary breast and/or ovarian cancer was confirmed in probands. The probands were confirmed as White British in all but two families (for which ethnicity not reported). Case control comparison against ethnically matched population data (10/16,600 in familial cases against 0/63,369 GNOMAD NFE controls) passoc=6.53x10-10 pexact= 1.49x10-7 (PS4_very strong). An additional 5 families have been identified in the UK (not included in the previous dataset). There are additional reports of this variant in ClinVar, BIC and BRCA2 LOVD. The variant is absent in the remainder of the GNOMAD populations (75,263 individuals) (PM2). Predicted deleterious on AlignGVGD, SIFT, Polyphen2 HumVar (PP3).

Juno Genomics, Hangzhou Juno Genomics, Inc
Classification: Likely pathogenic for Breast-ovarian cancer, familial, susceptibility to, 2. Review status: criteria provided, single submitter. Criteria: ACMG Guidelines, 2015. Collection method: clinical testing. Allele origin: germline.
Comment: Well-established in vitro or in vivo functional studies supportive of a damaging effect on the gene or gene product.;The prevalence of the variant in affected individuals is significantly increased compared to the prevalence in controls.;For recessive disorders, detected in trans with a pathogenic variant.

Sharing Clinical Reports Project (SCRP)
Classification: Uncertain significance for Breast-ovarian cancer, familial 2. Last evaluated: 2012-05-15. Review status: flagged submission. Collection method: clinical testing. Allele origin: germline. Not counted in ClinVar's aggregate classification.
ClinVar note: Reason: Outlier claim with insufficient supporting evidence

Breast Cancer Information Core (BIC) (BRCA2)
Classification: Uncertain significance for Breast-ovarian cancer, familial 2. Last evaluated: 2000-06-12. Review status: flagged submission. Collection method: clinical testing. Allele origin: germline. Affected: yes. Observed: 2 variant alleles. Not counted in ClinVar's aggregate classification.
ClinVar note: Reason: Outlier claim with insufficient supporting evidence

Department of Pathology and Laboratory Medicine, Sinai Health System
Classification: Uncertain significance. Review status: flagged submission. Collection method: clinical testing. Allele origin: unknown. Affected: yes. Study: The Canadian Open Genetics Repository (COGR). Not counted in ClinVar's aggregate classification.
Comment: The BRCA2 p.Leu3101Arg variant was identified in dbSNP (ID: rs28897758) as â€šÃ„ÃºWith uncertain significance alleleâ€šÃ„Ã¹, Clinvitae database (classification uncertain significance), Fanconi Anemia Mutation Database (LOVD), the ClinVar database (classification uncertain significance by Invitae, Ambry Genetics, BIC and Sharing Clinical Reports Project derived from Myriad reports), GeneInsight COGR database (classification uncertain significance by 2 clinical laboratories), and the BIC database (2x with unknown clinical importance). The variant was not identified in the 1000 Genomes Project, NHLBI Exome Sequencing Project, Exome Aggregation Consortium (March 14, 2016) database, COSMIC, and LOVD IARC. The p.Leu3101 residue is not conserved across mammals and other organisms, and computational analyses (PolyPhen-2, SIFT, AlignGVGD, BLOSUM, MutationTaster) suggest that the variant may impact the protein; however, this information is not predictive enough to assume pathogenicity. The variant occurs outside of the splicing consensus sequence and in silico or computational prediction software programs (SpliceSiteFinder, MaxEntScan, NNSPLICE, GeneSplicer, HumanSpliceFinder) do not predict a difference in splicing. One in silico study using a protein likelihood ratio, suggests that this variant is likely deleterious (Karchin 2008). However, this information is not predictive enough to assume pathogenicity, and segregation and/or additional functional studies are recommended to further elucidate the pathogenicity of this variant. In summary, based on the above information, the clinical significance of this variant cannot be determined with certainty at this time. This variant is classified as a variant of uncertain significance.
ClinVar note: Reason: Outlier claim with insufficient supporting evidence

Literature cited by the submitters: PubMed 33609447 (cited by 4 submitters); PubMed 27498913 (cited by 3 submitters); PubMed 31131967 (cited by Color Diagnostics, LLC DBA Color Health and All of Us Research Program, National Institutes of Health); PubMed 31853058 (cited by Color Diagnostics, LLC DBA Color Health); PubMed 32170000 (cited by Color Diagnostics, LLC DBA Color Health and All of Us Research Program, National Institutes of Health); PubMed 32377563 (cited by Color Diagnostics, LLC DBA Color Health and All of Us Research Program, National Institutes of Health); PubMed 32444794 (cited by Color Diagnostics, LLC DBA Color Health); PubMed 33471991 (cited by Color Diagnostics, LLC DBA Color Health and All of Us Research Program, National Institutes of Health); PubMed 35736817 (cited by Color Diagnostics, LLC DBA Color Health and All of Us Research Program, National Institutes of Health); PubMed 37922907 (cited by Color Diagnostics, LLC DBA Color Health and All of Us Research Program, National Institutes of Health); PubMed 39779848 (cited by Color Diagnostics, LLC DBA Color Health); PubMed 39779857 (cited by Color Diagnostics, LLC DBA Color Health); PubMed 19043619 (cited by 3 submitters); PubMed 28726806 (cited by Women's Health and Genetics/Laboratory Corporation of America, LabCorp); PubMed 12228710 (cited by Ambry Genetics); PubMed 32719484 (cited by Quest Diagnostics Nichols Institute San Juan Capistrano).